The following is an entry in ClinVar:

ClinVar aggregate classification (germline): Likely pathogenic (1 of 4 stars; one submission).

Conditions:
Developmental and epileptic encephalopathy 6B. Also called: Developmental and epileptic encephalopathy 6B, non-Dravet. Identifiers: MedGen C5543353, MONDO:0030268, OMIM 619317.
Generalized epilepsy with febrile seizures plus, type 2 (GEFSP2). Also called: GEFS+, TYPE 2. Identifiers: Orphanet 36387, MedGen C1858673, MONDO:0011461, OMIM 604403.
Febrile seizures, familial, 3a. Also called: Antiepileptic drugs, response to; FEBRILE SEIZURES, FAMILIAL, 3A, SUSCEPTIBILITY TO. Identifiers: MedGen C2751756, MONDO:0800329.
Severe myoclonic epilepsy in infancy (DRVT). Also called: Severe Myoclonic Epilepsy in Infancy (SMEI); Dravet syndrome; SEVERE MYOCLONIC EPILEPSY OF INFANCY; DEVELOPMENTAL AND EPILEPTIC ENCEPHALOPATHY 6A; Epileptic encephalopathy, early infantile, 6 (Dravet syndrome). Identifiers: Orphanet 33069, MedGen C0751122, MONDO:0100135, OMIM 607208.

Submission:

Department of Neurology, Zibo Changguo Hospital
Classification: Likely pathogenic for Developmental and epileptic encephalopathy 6B; Febrile seizures, familial, 3a; Generalized epilepsy with febrile seizures plus, type 2; Severe myoclonic epilepsy in infancy. Last evaluated: 2025-01-09. Review status: criteria provided, single submitter. Criteria: ACMG Guidelines, 2015. Collection method: clinical testing. Allele origin: de novo. Inheritance: Autosomal dominant inheritance. Affected: yes.
Comment: PM1, PM5, PP3_Moderate, PM2_Supporting, PM6_Supporting, PP2

NM_001165963.4(SCN1A):c.1037C>A (p.Pro346Gln)

Gene: SCN1A (sodium voltage-gated channel alpha subunit 1; minus strand). Cytogenetic location: 2q24.3.
Variant type: single nucleotide variant.
Coding change: c.1037C>A on transcript NM_001165963.4 (MANE Select); coding-DNA position 1037, C replaced by A.
Protein change: p.Pro346Gln; replaces proline 346 with glutamine.
Molecular consequence: missense variant. On other transcripts: 5 prime UTR variant (1), non-coding transcript variant (1).
Genome position (GRCh38, 1-based): chr2:166,047,760, G>T on the plus strand (C>A on the coding strand, the complement: SCN1A is on the minus strand). VCF-style: chr2-166047760-G-T. GRCh37 (hg19) VCF-style: chr2-166904270-G-T.
Other names: c.1037C>A, p.Pro346Gln (NM_001165964.3, NM_001202435.3, NM_001353948.2 and 10 more transcripts); c.-1389C>A (NM_001353961.2); short protein forms P346Q.
Identifiers: ClinVar variation 3770207 (VCV003770207.1).
Genomic context (GRCh38, chr2:166,047,760, plus strand): 5'-TCAAAGCTTGTGTAGCCATAATTGGGATTTCTACCAGCTTTCACACACATATATCCCTCT[G>T]GACATTGGCTGCAAGTGGGGTAAAAGAAAGTATTACAAGTCGTTCTGCTGCCTTTTTACT-3'
Protein context (NP_001159435.1, residues 336-356): CGNSSDAGQC[Pro346Gln]EGYMCVKAGR